The following is an entry in ClinVar:

ClinVar aggregate classification (germline): Pathogenic/Likely pathogenic. Review status: criteria provided, multiple submitters, no conflicts (2 of 4 stars). 5 submissions from 5 submitters: Pathogenic (4); Likely pathogenic (1). Last evaluated 2026-02-03.
ClinVar aggregate classification (oncogenicity): Uncertain significance (1 of 4 stars; one submission).

Conditions:
Cardiovascular phenotype. Identifiers: MedGen CN230736.
Hereditary cancer-predisposing syndrome. Also called: Tumor predisposition; Neoplastic Syndromes, Hereditary; Hereditary Cancer Syndrome; Hereditary neoplastic syndrome. Identifiers: Orphanet 140162, MedGen C0027672, MeSH D009386, MONDO:0015356.
Neurofibromatosis, type 1 (NF1). Also called: NEUROFIBROMATOSIS, TYPE I, SOMATIC; Peripheral type neurofibromatosis; VON RECKLINGHAUSEN DISEASE; Neurofibromatosis, type I. Identifiers: Orphanet 636, MedGen C0027831, MONDO:0018975, OMIM 162200. Disease mechanism: loss of function.
Neoplasm. Also called: tumor; Neoplasms; Neoplasm (disease). Identifiers: MedGen C0027651, MeSH D009369, MONDO:0005070, HP:0002664.

Allele frequency attached by ClinVar (database versions not stated): gnomAD exomes below 0.00001.

Submissions (6):

Labcorp Genetics (formerly Invitae), Labcorp
Classification: Pathogenic for Neurofibromatosis, type 1. Last evaluated: 2026-02-03. Review status: criteria provided, single submitter. Criteria: Invitae Variant Classification Sherloc (09022015). Collection method: clinical testing. Allele origin: germline.
Comment: This sequence change affects the initiator codon of the NF1 mRNA. This change may impact translation initiation or efficiency. The next in-frame methionine is located at codon 68. This variant is not present in population databases (gnomAD no frequency). Disruption of the initiator codon has been observed in individual(s) with neurofibromatosis type 1 (PMID: 18041031, 23668869, 23913538). ClinVar contains an entry for this variant (Variation ID: 647845). For these reasons, this variant has been classified as Pathogenic.

NHS Central & South Genomic Laboratory Hub
Classification: Pathogenic for Neurofibromatosis type 1. Last evaluated: 2025-04-09. Review status: criteria provided, single submitter. Criteria: ACMG Guidelines, 2015. Collection method: clinical testing. Allele origin: germline. Affected: yes.

Center for Genomic Medicine, Rigshospitalet, Copenhagen University Hospital
Classification: Uncertain significance for Neoplasm. Last evaluated: 2025-03-04. Review status: criteria provided, single submitter. Criteria: ClinGen/CGC/VICC Guidelines for Oncogenicity, 2022. Collection method: clinical testing. Allele origin: somatic. Affected: yes.

Clinical Genetics Laboratory, University Hospital Schleswig-Holstein
Classification: Pathogenic for Neurofibromatosis, type 1. Last evaluated: 2025-01-08. Review status: criteria provided, single submitter. Criteria: ACMG Guidelines, 2015. Collection method: clinical testing. Allele origin: de novo. Affected: yes.
Comment: ACMG criteria applied: PM2, PVS1_Strong, PS4_Moderate, PP4, PS2

Mayo Clinic Laboratories, Mayo Clinic
Classification: Likely pathogenic. Last evaluated: 2024-05-08. Review status: criteria provided, single submitter. Criteria: ACMG Guidelines, 2015. Collection method: clinical testing. Allele origin: germline. Observed: 2 variant alleles.
Comment: PP4, PP5, PM2_moderate, PVS1_moderate

Ambry Genetics
Classification: Pathogenic for Cardiovascular phenotype; Hereditary cancer-predisposing syndrome. Last evaluated: 2017-10-09. Review status: criteria provided, single submitter. Criteria: Ambry Variant Classification Scheme 2023. Collection method: clinical testing. Allele origin: germline.
Comment: The p.M1? variant (also known as c.3G>A), located in coding exon 1 of the NF1 gene, results from a G to A substitution at nucleotide position 3. This alters the methionine residue at the initiation codon. This alteration was detected in one individual who meets National Institute of Health Neurofibromatosis Type 1 clinical criteria (Sabbagh A et al. Hum. Mutat., 2013 Nov;34:1510-8). In addition to the clinical data presented in the literature, since sequence variations that modify the initiation codon (ATG) are expected to result in either loss of translation initiation, N-terminal truncation, or cause a shift in the mRNA reading frame, this alteration is interpreted as a disease-causing mutation.

Literature cited by the submitters: PubMed 18041031 (cited by Labcorp Genetics (formerly Invitae), Labcorp and Center for Genomic Medicine, Rigshospitalet, Copenhagen University Hospital); PubMed 23668869 (cited by Labcorp Genetics (formerly Invitae), Labcorp and Center for Genomic Medicine, Rigshospitalet, Copenhagen University Hospital); PubMed 23913538 (cited by Labcorp Genetics (formerly Invitae), Labcorp and Mayo Clinic Laboratories, Mayo Clinic).

NM_001042492.3(NF1):c.3G>A (p.Met1Ile)

Genes: MIR4733HG (MIR4733 host gene; minus strand), NF1 (neurofibromin 1; plus strand), LOC111811965 (NF1 (neurofibromin 1) promoter region; plus strand). Cytogenetic location: 17q11.2.
Variant type: single nucleotide variant.
Coding change: c.3G>A on transcript NM_001042492.3 (MANE Select); coding-DNA position 3, G replaced by A.
Protein change: p.Met1Ile; changes the start codon (methionine 1).
Molecular consequence: missense variant, initiator codon variant. On other transcripts: non-coding transcript variant (1).
Genome position (GRCh38, 1-based): chr17:31,095,312, G>A. VCF-style: chr17-31095312-G-A. GRCh37 (hg19) VCF-style: chr17-29422330-G-A.
Other names: p.Met1?; c.3G>A, p.Met1Ile (NM_001128147.3, NM_000267.4); short protein forms M1I.
Identifiers: ClinVar variation 647845 (VCV000647845.13), dbSNP rs1598173737, ClinGen allele CA398979153.